The following is an entry in ClinVar:

NM_213599.3(ANO5):c.2719C>G (p.Gln907Glu)

Gene: ANO5 (anoctamin 5; plus strand). Cytogenetic location: 11p14.3.
Variant type: single nucleotide variant.
Coding change: c.2719C>G on transcript NM_213599.3 (MANE Select); coding-DNA position 2719, C replaced by G.
Protein change: p.Gln907Glu; replaces glutamine 907 with glutamic acid.
Molecular consequence: missense variant.
Genome position (GRCh38, 1-based): chr11:22,279,742, C>G. VCF-style: chr11-22279742-C-G. GRCh37 (hg19) VCF-style: chr11-22301288-C-G.
Other names: c.2716C>G, p.Gln906Glu (NM_001142649.2); short protein forms Q907E, Q906E.
Identifiers: ClinVar variation 1498143 (VCV001498143.8), dbSNP rs765305152, ClinGen allele CA379925505.

ClinVar aggregate classification (germline): Uncertain significance (1 of 4 stars; one submission).

Conditions:
Gnathodiaphyseal dysplasia (GDD). Also called: GNATHODIAPHYSEAL SCLEROSIS; OSTEOGENESIS IMPERFECTA WITH UNUSUAL SKELETAL LESIONS. Identifiers: Orphanet 53697, MedGen C1833736, MONDO:0008151, OMIM 166260.
Autosomal recessive limb-girdle muscular dystrophy type 2L (LGMDR12). Also called: Limb-girdle muscular dystrophy, type 2L; MUSCULAR DYSTROPHY, LIMB-GIRDLE, AUTOSOMAL RECESSIVE 12; Limb-Girdle Muscular Dystrophy R12 Anoctamin-5-Related (LGMD-R12). Identifiers: Orphanet 206549, MedGen C1969785, MONDO:0012652, OMIM 611307.

Submission:

Labcorp Genetics (formerly Invitae), Labcorp
Classification: Uncertain significance for Autosomal recessive limb-girdle muscular dystrophy type 2L; Gnathodiaphyseal dysplasia. Last evaluated: 2022-07-25. Review status: criteria provided, single submitter. Criteria: Invitae Variant Classification Sherloc (09022015). Collection method: clinical testing. Allele origin: germline.
Comment: In summary, the available evidence is currently insufficient to determine the role of this variant in disease. Therefore, it has been classified as a Variant of Uncertain Significance. Advanced modeling of protein sequence and biophysical properties (such as structural, functional, and spatial information, amino acid conservation, physicochemical variation, residue mobility, and thermodynamic stability) performed at Invitae indicates that this missense variant is not expected to disrupt ANO5 protein function. ClinVar contains an entry for this variant (Variation ID: 1498143). This variant has not been reported in the literature in individuals affected with ANO5-related conditions. This variant is not present in population databases (gnomAD no frequency). This sequence change replaces glutamine, which is neutral and polar, with glutamic acid, which is acidic and polar, at codon 907 of the ANO5 protein (p.Gln907Glu).